The following is an entry in ClinVar:

ClinVar aggregate classification (germline): Benign. Review status: criteria provided, single submitter (1 of 4 stars). 2 submissions from 2 submitters: Benign (1). 1 of the submissions does not count toward it. Last evaluated 2026-01-28.

Conditions:
DSCAML1-related disorder. Also called: DSCAML1-related condition.

Allele frequency attached by ClinVar (database versions not stated): gnomAD exomes 0.00016 and 0.00044; ExAC 0.00057; 1000 Genomes Project 30x 0.00156; 1000 Genomes Project 0.00160; gnomAD 0.00173 and 0.00188; TOPMed 0.00206; ESP Exome Variant Server 0.00223.
gnomAD v4.1: 500 of 1,613,576 alleles (0.031%); highest among the groups gnomAD compares: African/African-American, 0.61%; no homozygotes.

Submissions (2):

Labcorp Genetics (formerly Invitae), Labcorp
Classification: Benign. Last evaluated: 2026-01-28. Review status: criteria provided, single submitter. Criteria: Invitae Variant Classification Sherloc (09022015). Collection method: clinical testing. Allele origin: germline.

PreventionGenetics, part of Exact Sciences
Classification: Likely benign for DSCAML1-related condition. Last evaluated: 2019-07-13. Review status: no assertion criteria provided. Collection method: clinical testing. Allele origin: germline. Not counted in ClinVar's aggregate classification.
Comment: This variant is classified as likely benign based on ACMG/AMP sequence variant interpretation guidelines (Richards et al. 2015 PMID: 25741868, with internal and published modifications).

NM_020693.4(DSCAML1):c.1980C>T (p.Ser660=)

Gene: DSCAML1 (DS cell adhesion molecule like 1; minus strand). Cytogenetic location: 11q23.3.
Variant type: single nucleotide variant.
Coding change: c.1980C>T on transcript NM_020693.4 (MANE Select); coding-DNA position 1980, C replaced by T.
Protein change: p.Ser660=; no amino-acid change (serine 660 retained).
Molecular consequence: synonymous variant.
Genome position (GRCh38, 1-based): chr11:117,505,536, G>A on the plus strand (C>T on the coding strand, the complement: DSCAML1 is on the minus strand). VCF-style: chr11-117505536-G-A. GRCh37 (hg19) VCF-style: chr11-117376251-G-A.
Other names: c.1980C>T, p.Ser660= (NM_001367904.1).
Identifiers: ClinVar variation 783649 (VCV000783649.11), dbSNP rs140236864, ClinGen allele CA6297135.